The following is an entry in ClinVar:

NM_000155.4(GALT):c.340C>T (p.His114Tyr)

Gene: GALT (galactose-1-phosphate uridylyltransferase; plus strand). Cytogenetic location: 9p13.3.
Variant type: single nucleotide variant.
Coding change: c.340C>T on transcript NM_000155.4 (MANE Select); coding-DNA position 340, C replaced by T.
Protein change: p.His114Tyr; replaces histidine 114 with tyrosine.
Molecular consequence: missense variant. On other transcripts: intron variant (1).
Genome position (GRCh38, 1-based): chr9:34,647,668, C>T. VCF-style: chr9-34647668-C-T. GRCh37 (hg19) VCF-style: chr9-34647665-C-T.
Other names: c.51-164C>T (NM_001258332.2); short protein forms H114Y.
Identifiers: ClinVar variation 4715673 (VCV004715673.1).

ClinVar aggregate classification (germline): Uncertain significance (1 of 4 stars; one submission).

Conditions:
Deficiency of UDPglucose-hexose-1-phosphate uridylyltransferase. Also called: GALT deficiency; Galactosemia, classic; Transferase Deficiency Galactosemia; GALACTOSEMIA I; GALACTOSE-1-PHOSPHATE URIDYLYLTRANSFERASE DEFICIENCY. Identifiers: Orphanet 352, Orphanet 79239, MedGen C0268151, MONDO:0009258, OMIM 230400.

Submission:

Labcorp Genetics (formerly Invitae), Labcorp
Classification: Uncertain significance for Deficiency of UDPglucose-hexose-1-phosphate uridylyltransferase. Last evaluated: 2025-08-04. Review status: criteria provided, single submitter. Criteria: Invitae Variant Classification Sherloc (09022015). Collection method: clinical testing. Allele origin: germline.
Comment: This sequence change replaces histidine, which is basic and polar, with tyrosine, which is neutral and polar, at codon 114 of the GALT protein (p.His114Tyr). This variant is not present in population databases (gnomAD no frequency). This variant has not been reported in the literature in individuals affected with GALT-related conditions. Invitae Evidence Modeling of protein sequence and biophysical properties (such as structural, functional, and spatial information, amino acid conservation, physicochemical variation, residue mobility, and thermodynamic stability) indicates that this missense variant is expected to disrupt GALT protein function with a positive predictive value of 80%. In summary, the available evidence is currently insufficient to determine the role of this variant in disease. Therefore, it has been classified as a Variant of Uncertain Significance.